The following is an entry in ClinVar:

ClinVar aggregate classification (germline): Pathogenic (1 of 4 stars; one submission).

Conditions:
Cerebral cavernous malformation (CCM). Also called: CAVERNOUS ANGIOMA, FAMILIAL; CAVERNOUS ANGIOMATOUS MALFORMATIONS; CEREBRAL CAPILLARY MALFORMATIONS; Cavernous Hemangioma of Brain; Cerebral cavernous hemangioma (type); Cerebral cavernous malformations. Identifiers: Orphanet 221061, MedGen C2919945, MONDO:0000820, OMIM 116860, HP:0033522.

Submission:

Labcorp Genetics (formerly Invitae), Labcorp
Classification: Pathogenic for Cerebral cavernous malformation. Last evaluated: 2022-12-29. Review status: criteria provided, single submitter. Criteria: Invitae Variant Classification Sherloc (09022015). Collection method: clinical testing. Allele origin: germline.
Comment: For these reasons, this variant has been classified as Pathogenic. This premature translational stop signal has been observed in individual(s) with cerebral cavernous malformation (PMID: 24689081). This variant is not present in population databases (gnomAD no frequency). This sequence change creates a premature translational stop signal (p.His293Thrfs*12) in the KRIT1 gene. It is expected to result in an absent or disrupted protein product. Loss-of-function variants in KRIT1 are known to be pathogenic (PMID: 10508515, 11222804, 12404106, 24689081).

Literature cited by the submitters: PubMed 24689081; PubMed 10508515; PubMed 11222804; PubMed 12404106.

NM_194454.3(KRIT1):c.877del (p.His293fs)

Gene: KRIT1 (KRIT1 ankyrin repeat containing; minus strand). Cytogenetic location: 7q21.2.
Variant type: Deletion.
Coding change: c.877del on transcript NM_194454.3 (MANE Select); coding-DNA position 877, one base deleted (C; older notation c.877delC).
Protein change: p.His293fs; shifts the reading frame from histidine 293.
Molecular consequence: frameshift variant. On other transcripts: intron variant (3).
Genome position (GRCh38, 1-based): chr7:92,234,561, G deleted on the plus strand (C on the coding strand, the reverse complement: KRIT1 is on the minus strand); the first of 2 consecutive G bases (chr7:92,234,561-92,234,562); deleting either gives the same sequence. VCF-style (leftmost placement, unchanged base first): chr7-92234560-TG-T. GRCh37 (hg19) VCF-style: chr7-91863874-TG-T.
Other names: c.163del, p.His55fs (NM_001350671.1); c.877del, p.His293fs (NM_001350672.1, NM_001350673.1, NM_001350674.1 and 26 more transcripts); c.845+247del (NM_001350669.1, NM_001013406.2, NM_001350670.1); short protein forms H293fs, H55fs.
Identifiers: ClinVar variation 2735049 (VCV002735049.3), dbSNP rs2536005244, ClinGen allele CA2695207971.